The following is an entry in ClinVar:

ClinVar aggregate classification (germline): Pathogenic (1 of 4 stars; one submission).

Conditions:
Achromatopsia 3 (ACHM3). Also called: ACHROMATOPSIA WITH MYOPIA; PINGELAPESE BLINDNESS; TOTAL COLORBLINDNESS WITH MYOPIA; ROD MONOCHROMACY 1; ROD MONOCHROMATISM 1. Identifiers: Orphanet 49382, MedGen C1849792, MONDO:0009875, OMIM 262300.

Submission:

Myriad Genetics, Inc.
Classification: Pathogenic for Achromatopsia 3. Last evaluated: 2023-12-31. Review status: criteria provided, single submitter. Criteria: Myriad Autosomal Dominant, Autosomal Recessive and X-Linked Classification Criteria (2023). Collection method: clinical testing. Allele origin: unknown.
Comment: NM_019098.4(CNGB3):c.728delC(P243Hfs*36) is expected to be pathogenic in the context of achromatopsia, CNGB3-related. This variant is predicted to lead to an abnormal or absent protein product due to the creation of a premature termination codon in CNGB3, a gene where loss-of-function variants are known to be pathogenic. Please note: this variant was assessed in the context of healthy population screening.

NM_019098.5(CNGB3):c.728del (p.Pro243fs)

Gene: CNGB3 (cyclic nucleotide gated channel subunit beta 3; minus strand). Cytogenetic location: 8q21.3.
Variant type: Deletion.
Coding change: c.728del on transcript NM_019098.5 (MANE Select); coding-DNA position 728, one base deleted (C; older notation c.728delC).
Protein change: p.Pro243fs; shifts the reading frame from proline 243.
Molecular consequence: frameshift variant.
Genome position (GRCh38, 1-based): chr8:86,667,049, G deleted on the plus strand (C on the coding strand, the reverse complement: CNGB3 is on the minus strand); the first of 3 consecutive G bases (chr8:86,667,049-86,667,051); deleting any one gives the same sequence. VCF-style (leftmost placement, unchanged base first): chr8-86667048-TG-T. GRCh37 (hg19) VCF-style: chr8-87679276-TG-T.
Other names: short protein forms P243fs.
Identifiers: ClinVar variation 5012621 (VCV005012621.1).